The following is an entry in ClinVar:

ClinVar aggregate classification (germline): Pathogenic/Likely pathogenic. Review status: criteria provided, multiple submitters, no conflicts (2 of 4 stars). 2 submissions from 2 submitters: Pathogenic (1); Likely pathogenic (1). Last evaluated 2023-03-31.

Conditions:
Episodic ataxia type 1 (EA1). Also called: ATAXIA, EPISODIC, WITH MYOKYMIA; Episodic ataxia/myokymia syndrome; PAROXYSMAL ATAXIA WITH NEUROMYOTONIA, HEREDITARY; MYOKYMIA WITH PERIODIC ATAXIA. Identifiers: Orphanet 37612, Orphanet 972, MedGen C1719788, MONDO:0008047, OMIM 160120.

Submissions (2):

Athena Diagnostics
Classification: Pathogenic. Last evaluated: 2023-03-31. Review status: criteria provided, single submitter. Criteria: Athena Diagnostics Criteria. Collection method: clinical testing. Allele origin: unknown.
Comment: This variant has not been reported in large, multi-ethnic general populations. At least one other missense variant at this codon is considered to be pathogenic or likely pathogenic, suggesting this variant may also cause disease. Assessment of experimental evidence suggests this variant results in abnormal protein function. (PMID: 26778656, 22609616)

Women's Health and Genetics/Laboratory Corporation of America, LabCorp
Classification: Likely pathogenic for Episodic ataxia type 1. Last evaluated: 2022-06-08. Review status: criteria provided, single submitter. Criteria: LabCorp Variant Classification Summary - May 2015. Collection method: clinical testing. Allele origin: germline.
Comment: Variant summary: KCNA1 c.785T>C (p.Ile262Thr) results in a non-conservative amino acid change located in the Ion transport domain (IPR005821) of the encoded protein sequence. Five of five in-silico tools predict a damaging effect of the variant on protein function. The variant was absent in 251440 control chromosomes (gnomAD). c.785T>C has been reported in the literature in at least one individual affected with Episodic Ataxia Type 1, with the variant confirmed as having occurred de novo (Klein_2004). Two publications report that the variant exerts a dominant-negative effect on the Kv1.1 potassium channel with 7-fold decrease in K+ current amplitude (Zhu_2012, Chen_2016). The variant was also found to have 2-fold decrease in surface protein expression (Zhu_2012) that is the result of impaired membrane trafficking of the mature tetrameric protein (Chen_2016). No clinical diagnostic laboratories have submitted clinical-significance assessments for this variant to ClinVar after 2014. Based on the evidence outlined above, the variant was classified as likely pathogenic.

Literature cited by the submitters: PubMed 26778656 (cited by Athena Diagnostics and Women's Health and Genetics/Laboratory Corporation of America, LabCorp); PubMed 22609616 (cited by Athena Diagnostics and Women's Health and Genetics/Laboratory Corporation of America, LabCorp); PubMed 15127317 (cited by Athena Diagnostics and Women's Health and Genetics/Laboratory Corporation of America, LabCorp).

NM_000217.3(KCNA1):c.785T>C (p.Ile262Thr)

Gene: KCNA1 (potassium voltage-gated channel subfamily A member 1; plus strand). Cytogenetic location: 12p13.32.
Variant type: single nucleotide variant.
Coding change: c.785T>C on transcript NM_000217.3 (MANE Select); coding-DNA position 785, T replaced by C.
Protein change: p.Ile262Thr; replaces isoleucine 262 with threonine.
Molecular consequence: missense variant.
Genome position (GRCh38, 1-based): chr12:4,912,163, T>C. VCF-style: chr12-4912163-T-C. GRCh37 (hg19) VCF-style: chr12-5021329-T-C.
Other names: short protein forms I262T.
Identifiers: ClinVar variation 1698514 (VCV001698514.2), dbSNP rs2137673584, ClinGen allele CA383455335.